The following is an entry in ClinVar:

ClinVar aggregate classification (germline): Uncertain significance (1 of 4 stars; one submission).

Allele frequency attached by ClinVar (database versions not stated): gnomAD 0.00002; TOPMed 0.00002; 1000 Genomes Project 30x 0.00016; 1000 Genomes Project 0.00020.
gnomAD v4.1: 5 of 1,614,214 alleles (0.00031%); highest among the groups gnomAD compares: African/African-American, 0.0067%; no homozygotes.

Submission:

Labcorp Genetics (formerly Invitae), Labcorp
Classification: Uncertain significance. Last evaluated: 2022-08-20. Review status: criteria provided, single submitter. Criteria: Invitae Variant Classification Sherloc (09022015). Collection method: clinical testing. Allele origin: germline.
Comment: In summary, the available evidence is currently insufficient to determine the role of this variant in disease. Therefore, it has been classified as a Variant of Uncertain Significance. Algorithms developed to predict the effect of missense changes on protein structure and function (SIFT, PolyPhen-2, Align-GVGD) all suggest that this variant is likely to be tolerated. This variant has not been reported in the literature in individuals affected with SLCO5A1-related conditions. This variant is present in population databases (rs200863998, gnomAD 0.007%). This sequence change replaces leucine, which is neutral and non-polar, with isoleucine, which is neutral and non-polar, at codon 114 of the SLCO5A1 protein (p.Leu114Ile).

NM_030958.3(SLCO5A1):c.340C>A (p.Leu114Ile)

Gene: SLCO5A1 (solute carrier organic anion transporter family member 5A1; minus strand). Cytogenetic location: 8q13.3.
Variant type: single nucleotide variant.
Coding change: c.340C>A on transcript NM_030958.3 (MANE Select); coding-DNA position 340, C replaced by A.
Protein change: p.Leu114Ile; replaces leucine 114 with isoleucine.
Molecular consequence: missense variant.
Genome position (GRCh38, 1-based): chr8:69,832,334, G>T on the plus strand (C>A on the coding strand, the complement: SLCO5A1 is on the minus strand). VCF-style: chr8-69832334-G-T. GRCh37 (hg19) VCF-style: chr8-70744569-G-T.
Other names: c.340C>A, p.Leu114Ile (NM_001146008.2, NM_001146009.1); short protein forms L114I.
Identifiers: ClinVar variation 2121617 (VCV002121617.4), dbSNP rs200863998, ClinGen allele CA178881352.